The following is an entry in ClinVar:

NM_001042472.3(ABHD12):c.952G>A (p.Val318Met)

Gene: ABHD12 (abhydrolase domain containing 12, lysophospholipase; minus strand). Cytogenetic location: 20p11.21.
Variant type: single nucleotide variant.
Coding change: c.952G>A on transcript NM_001042472.3 (MANE Select); coding-DNA position 952, G replaced by A.
Protein change: p.Val318Met; replaces valine 318 with methionine.
Molecular consequence: missense variant.
Genome position (GRCh38, 1-based): chr20:25,303,627, C>T on the plus strand (G>A on the coding strand, the complement: ABHD12 is on the minus strand). VCF-style: chr20-25303627-C-T. GRCh37 (hg19) VCF-style: chr20-25284263-C-T.
Other names: c.952G>A, p.Val318Met (NM_015600.5); short protein forms V318M.
Identifiers: ClinVar variation 957627 (VCV000957627.9), dbSNP rs201220878, ClinGen allele CA9795920.

ClinVar aggregate classification (germline): Conflicting classifications of pathogenicity. Review status: criteria provided, conflicting classifications (1 of 4 stars). 5 submissions from 5 submitters: Uncertain significance (2); Benign (1); Likely benign (2). Last evaluated 2026-03-13.

Conditions:
Inborn genetic diseases. Identifiers: MedGen C0950123, MeSH D030342.
ABHD12-related disorder. Also called: ABHD12-related condition.

Allele frequency attached by ClinVar (database versions not stated): ESP Exome Variant Server 0.00008; gnomAD 0.00013 and 0.00015; gnomAD exomes 0.00014 and 0.00019; TOPMed 0.00014; ExAC 0.00021; 1000 Genomes Project 30x 0.00031; 1000 Genomes Project 0.00040.
gnomAD v4.1: 234 of 1,613,580 alleles (0.015%); highest among the groups gnomAD compares: East Asian, 0.11%; 1 homozygote.

Submissions (5):

Women's Health and Genetics/Laboratory Corporation of America, LabCorp
Classification: Likely benign. Last evaluated: 2026-03-13. Review status: criteria provided, single submitter. Criteria: LabCorp Variant Classification Summary - May 2015. Collection method: clinical testing. Allele origin: germline.
Comment: Variant summary: ABHD12 c.952G>A (p.Val318Met) results in a conservative amino acid change in the encoded protein sequence. Algorithms developed to predict the effect of missense changes on protein structure and function are either unavailable or do not agree on the potential impact of this missense change. Consensus agreement among computation tools predict no significant impact on normal splicing. However, these predictions have yet to be confirmed by functional studies. The variant allele was found at a frequency of 0.00019 in 250064 control chromosomes, predominantly at a frequency of 0.0016 within the East Asian subpopulation in the gnomAD database. The observed variant frequency within East Asian control individuals in the gnomAD database exceeds the estimated maximal expected allele frequency for disease-causing variants in ABHD12. c.952G>A has been observed at a homozygous state in an individual affected with developmental regression and was ruled out for causality by the authors (AlAbdi_2023). These report(s) do not provide unequivocal conclusions about association of the variant with PHARC syndrome. To our knowledge, no experimental evidence demonstrating an impact on protein function has been reported. The following publication has been ascertained in the context of this evaluation (PMID: 38098057). ClinVar contains an entry for this variant (Variation ID: 957627). Based on the evidence outlined above, the variant was classified as likely benign.

PreventionGenetics, part of Exact Sciences
Classification: Likely benign for ABHD12-related condition. Last evaluated: 2024-12-12. Review status: criteria provided, single submitter. Criteria: ACMG Guidelines, 2015. Collection method: clinical testing. Allele origin: germline.
Comment: This variant is classified as likely benign based on ACMG/AMP sequence variant interpretation guidelines (Richards et al. 2015 PMID: 25741868, with internal and published modifications).

Blueprint Genetics
Classification: Benign. Last evaluated: 2024-02-22. Review status: criteria provided, single submitter. Criteria: ACMG Guidelines, 2015. Collection method: clinical testing. Allele origin: germline.

Labcorp Genetics (formerly Invitae), Labcorp
Classification: Uncertain significance. Last evaluated: 2022-10-24. Review status: criteria provided, single submitter. Criteria: Invitae Variant Classification Sherloc (09022015). Collection method: clinical testing. Allele origin: germline.
Comment: This sequence change replaces valine, which is neutral and non-polar, with methionine, which is neutral and non-polar, at codon 318 of the ABHD12 protein (p.Val318Met). This variant is present in population databases (rs201220878, gnomAD 0.2%). This variant has not been reported in the literature in individuals affected with ABHD12-related conditions. ClinVar contains an entry for this variant (Variation ID: 957627). Algorithms developed to predict the effect of missense changes on protein structure and function output the following: SIFT: "Tolerated"; PolyPhen-2: "Possibly Damaging"; Align-GVGD: "Class C0". The methionine amino acid residue is found in multiple mammalian species, which suggests that this missense change does not adversely affect protein function. In summary, the available evidence is currently insufficient to determine the role of this variant in disease. Therefore, it has been classified as a Variant of Uncertain Significance.

Ambry Genetics
Classification: Uncertain significance for Inborn genetic diseases. Last evaluated: 2021-07-14. Review status: criteria provided, single submitter. Criteria: Ambry Variant Classification Scheme 2023. Collection method: clinical testing. Allele origin: germline.

Literature cited by the submitters: PubMed 38098057 (cited by Women's Health and Genetics/Laboratory Corporation of America, LabCorp).